The following is an entry in ClinVar:

ClinVar aggregate classification (germline): Likely benign. Review status: criteria provided, multiple submitters, no conflicts (2 of 4 stars). 2 submissions from 2 submitters: Likely benign (2). Last evaluated 2024-09-01.

Conditions:
Glycine encephalopathy. Also called: Non-ketotic hyperglycinemia; Nonketotic hyperglycinemia. Identifiers: Orphanet 407, MedGen C0751748, MONDO:0011612, HP:0008288.

gnomAD v4.1: 10 of 1,612,652 alleles (0.00062%); highest among the groups gnomAD compares: South Asian, 0.0099%; no homozygotes.

Submissions (2):

CeGaT Center for Human Genetics Tuebingen
Classification: Likely benign. Last evaluated: 2024-09-01. Review status: criteria provided, single submitter. Criteria: CeGaT Center For Human Genetics Tuebingen Variant Classification Criteria Version 2. Collection method: clinical testing. Allele origin: germline. Affected: yes. Observed: 1 variant allele.
Comment: GLDC: BP4, BP7

Labcorp Genetics (formerly Invitae), Labcorp
Classification: Likely benign for Glycine encephalopathy. Last evaluated: 2023-07-29. Review status: criteria provided, single submitter. Criteria: Invitae Variant Classification Sherloc (09022015). Collection method: clinical testing. Allele origin: germline.

NM_000170.3(GLDC):c.312C>G (p.Pro104=)

Gene: GLDC (glycine decarboxylase; minus strand). Cytogenetic location: 9p24.1.
Variant type: single nucleotide variant.
Coding change: c.312C>G on transcript NM_000170.3 (MANE Select); coding-DNA position 312, C replaced by G.
Protein change: p.Pro104=; no amino-acid change (proline 104 retained).
Molecular consequence: synonymous variant.
Genome position (GRCh38, 1-based): chr9:6,644,636, G>C on the plus strand (C>G on the coding strand, the complement: GLDC is on the minus strand). VCF-style: chr9-6644636-G-C. GRCh37 (hg19) VCF-style: chr9-6644636-G-C.
Identifiers: ClinVar variation 1611589 (VCV001611589.22), dbSNP rs764472892, ClinGen allele CA4981211.